The following is an entry in ClinVar:

NM_003482.4(KMT2D):c.6847A>C (p.Lys2283Gln)

Gene: KMT2D (lysine methyltransferase 2D; minus strand). Cytogenetic location: 12q13.12.
Variant type: single nucleotide variant.
Coding change: c.6847A>C on transcript NM_003482.4 (MANE Select); coding-DNA position 6847, A replaced by C.
Protein change: p.Lys2283Gln; replaces lysine 2283 with glutamine.
Molecular consequence: missense variant.
Genome position (GRCh38, 1-based): chr12:49,040,923, T>G on the plus strand (A>C on the coding strand, the complement: KMT2D is on the minus strand). VCF-style: chr12-49040923-T-G. GRCh37 (hg19) VCF-style: chr12-49434706-T-G.
Other names: short protein forms K2283Q.
Identifiers: ClinVar variation 4801234 (VCV004801234.1).

ClinVar aggregate classification (germline): Uncertain significance (1 of 4 stars; one submission).

Conditions:
Kabuki syndrome. Also called: NIIKAWA-KUROKI SYNDROME; Kabuki make-up syndrome. Identifiers: Orphanet 2322, MedGen C0796004, MONDO:0016512.

gnomAD v4.1: 1 of 1,613,678 alleles (0.000062%); highest among the groups gnomAD compares: Non-Finnish European, 0.000085%; no homozygotes.

Submission:

Labcorp Genetics (formerly Invitae), Labcorp
Classification: Uncertain significance for Kabuki syndrome. Last evaluated: 2025-04-17. Review status: criteria provided, single submitter. Criteria: Invitae Variant Classification Sherloc (09022015). Collection method: clinical testing. Allele origin: germline.
Comment: This sequence change replaces lysine, which is basic and polar, with glutamine, which is neutral and polar, at codon 2283 of the KMT2D protein (p.Lys2283Gln). This variant is not present in population databases (gnomAD no frequency). This variant has not been reported in the literature in individuals affected with KMT2D-related conditions. Invitae Evidence Modeling of protein sequence and biophysical properties (such as structural, functional, and spatial information, amino acid conservation, physicochemical variation, residue mobility, and thermodynamic stability) indicates that this missense variant is not expected to disrupt KMT2D protein function with a negative predictive value of 95%. In summary, the available evidence is currently insufficient to determine the role of this variant in disease. Therefore, it has been classified as a Variant of Uncertain Significance.